The following is an entry in ClinVar:

NM_000264.5(PTCH1):c.412C>T (p.Arg138Cys)

Gene: PTCH1 (patched 1; minus strand). Cytogenetic location: 9q22.32.
Variant type: single nucleotide variant.
Coding change: c.412C>T on transcript NM_000264.5 (MANE Select); coding-DNA position 412, C replaced by T.
Protein change: p.Arg138Cys; replaces arginine 138 with cysteine.
Molecular consequence: missense variant. On other transcripts: 5 prime UTR variant (4), non-coding transcript variant (1).
Genome position (GRCh38, 1-based): chr9:95,485,857, G>A on the plus strand (C>T on the coding strand, the complement: PTCH1 is on the minus strand). VCF-style: chr9-95485857-G-A. GRCh37 (hg19) VCF-style: chr9-98248139-G-A.
Other names: c.214C>T, p.Arg72Cys (NM_001083602.3, NM_001354919.2); c.409C>T, p.Arg137Cys (NM_001083603.3); c.-42C>T (NM_001083604.3, NM_001083605.3, NM_001083606.3 and 1 more transcripts); c.412C>T, p.Arg138Cys (NM_001354918.2); short protein forms R138C, R72C, R137C.
Identifiers: ClinVar variation 486174 (VCV000486174.18), dbSNP rs139535966, ClinGen allele CA5138941.
Genomic context (GRCh38, chr9:95,485,857, plus strand): 5'-TGAGTTGAGGATTAAACATAGCCTCTTCTCCAATCTTCTGGCGAGTATAATTTAATTCAC[G>A]ACTTACTCGTCCTCCAACTGACAAATATGTACAGGTTTAATTAGAATAGCAAAATCACTG-3'
Protein context (NP_000255.2, residues 128-148): LWVEVGGRVS[Arg138Cys]ELNYTRQKIG

ClinVar aggregate classification (germline): Conflicting classifications of pathogenicity. Review status: criteria provided, conflicting classifications (1 of 4 stars). 7 submissions from 6 submitters: Uncertain significance (4); Likely benign (2). 1 of the submissions does not count toward it. Last evaluated 2026-01-30.

Conditions:
Basal cell nevus syndrome 1 (BCNS1). Also called: GORLIN-GOLTZ SYNDROME; MULTIPLE BASAL CELL NEVI, ODONTOGENIC KERATOCYSTS, AND SKELETAL ANOMALIES. Identifiers: MedGen CN376810, MONDO:0958174, OMIM 109400.
Holoprosencephaly 7 (HPE7). Identifiers: Orphanet 2162, MedGen C1835820, MONDO:0012562, OMIM 610828.
Basal cell carcinoma, susceptibility to, 1. Also called: BCC1. Identifiers: MedGen C2751544, MONDO:0011556, OMIM 605462.
Hereditary cancer-predisposing syndrome. Also called: Neoplastic Syndromes, Hereditary; Hereditary Cancer Syndrome; Tumor predisposition; Hereditary neoplastic syndrome. Identifiers: Orphanet 140162, MedGen C0027672, MeSH D009386, MONDO:0015356.
Ovarian cancer. Also called: OVARIAN CANCER, SOMATIC. Identifiers: Orphanet 213500, MedGen C1140680, MONDO:0008170, OMIM 167000.
Gorlin syndrome. Also called: Nevoid Basal Cell Carcinoma Syndrome; Basal cell nevus syndrome. Identifiers: Orphanet 377, MedGen C0004779, MONDO:0007187.
PTCH1-related disorder. Also called: PTCH1-related disorders; PTCH1-related condition.

Allele frequency attached by ClinVar (database versions not stated): gnomAD 0.00001; ExAC 0.00002; gnomAD exomes 0.00002 and 0.00008; TOPMed 0.00002; ESP Exome Variant Server 0.00023.

Submissions (7):

Labcorp Genetics (formerly Invitae), Labcorp
Classification: Likely benign for Gorlin syndrome. Last evaluated: 2026-01-30. Review status: criteria provided, single submitter. Criteria: Invitae Variant Classification Sherloc (09022015). Collection method: clinical testing. Allele origin: germline.

PreventionGenetics, part of Exact Sciences
Classification: Uncertain significance for PTCH1-related condition. Last evaluated: 2025-05-05. Review status: criteria provided, single submitter. Criteria: ACMG Guidelines, 2015. Collection method: clinical testing. Allele origin: germline.
Comment: The PTCH1 c.412C>T variant is predicted to result in the amino acid substitution p.Arg138Cys. To our knowledge, this variant has not been reported in the literature. This variant is reported in 0.0035% of alleles in individuals of European (Non-Finnish) descent in gnomAD and has conflicting interpretations in ClinVar ranging from likely benign to uncertain. At this time, the clinical significance of this variant is uncertain due to the absence of conclusive functional and genetic evidence.

Fulgent Genetics
Classification: Uncertain significance for Basal cell nevus syndrome 1; Basal cell carcinoma, susceptibility to, 1; Holoprosencephaly 7. Last evaluated: 2024-05-06. Review status: criteria provided, single submitter. Criteria: ACMG Guidelines, 2015. Collection method: clinical testing. Allele origin: germline.

Ambry Genetics
Classification: Likely benign for Hereditary cancer-predisposing syndrome. Last evaluated: 2023-03-27. Review status: criteria provided, single submitter. Criteria: Ambry Variant Classification Scheme 2023. Collection method: clinical testing. Allele origin: germline.

GeneDx
Classification: Uncertain significance. Last evaluated: 2022-06-02. Review status: criteria provided, single submitter. Criteria: GeneDx Variant Classification Process June 2021. Collection method: clinical testing. Allele origin: germline. Affected: yes.
Comment: Not observed at significant frequency in large population cohorts (gnomAD); In silico analysis supports that this missense variant has a deleterious effect on protein structure/function; Has not been previously published as pathogenic or benign to our knowledge

Fulgent Genetics
Classification: Uncertain significance for Basal cell nevus syndrome 1; Basal cell carcinoma, susceptibility to, 1; Holoprosencephaly 7. Last evaluated: 2018-10-31. Review status: criteria provided, single submitter. Criteria: ACMG Guidelines, 2015. Collection method: clinical testing. Allele origin: unknown.

Laboratory of Molecular Epidemiology of Birth Defects, West China Second University Hospital, Sichuan University
Classification: Likely pathogenic for Ovarian cancer. Last evaluated: 2022-01-01. Review status: flagged submission. Criteria: ACMG Guidelines, 2015. Collection method: clinical testing. Allele origin: germline. Affected: yes. Not counted in ClinVar's aggregate classification.
ClinVar note: Reason: Outlier claim with insufficient supporting evidence